The following is an entry in ClinVar:

ClinVar aggregate classification (germline): Uncertain significance (1 of 4 stars; one submission).

Conditions:
Hereditary cancer-predisposing syndrome. Also called: Neoplastic Syndromes, Hereditary; Tumor predisposition; Hereditary neoplastic syndrome; Hereditary Cancer Syndrome. Identifiers: Orphanet 140162, MedGen C0027672, MeSH D009386, MONDO:0015356.

Submission:

Ambry Genetics
Classification: Uncertain significance for Hereditary cancer-predisposing syndrome. Last evaluated: 2026-09-02. Review status: criteria provided, single submitter. Criteria: Ambry Variant Classification Scheme 2023. Collection method: clinical testing. Allele origin: germline.
Comment: The c.1712+3A>T intronic variant results from an A to T substitution 3 nucleotides after coding exon 5 in the AXIN2 gene. This nucleotide position is not well conserved in available vertebrate species. In silico splice site analysis predicts that this alteration will not have any significant effect on splicing. Based on the available evidence, the clinical significance of this variant remains unclear.

NM_004655.4(AXIN2):c.1712+3A>T

Gene: AXIN2 (axin 2; minus strand). Cytogenetic location: 17q24.1.
Variant type: single nucleotide variant.
Coding change: c.1712+3A>T on transcript NM_004655.4 (MANE Select); 3 bases into the intron after coding-DNA position 1712, A replaced by T.
Molecular consequence: intron variant.
Genome position (GRCh38, 1-based): chr17:65,537,321, T>A on the plus strand (A>T on the coding strand, the complement: AXIN2 is on the minus strand). VCF-style: chr17-65537321-T-A. GRCh37 (hg19) VCF-style: chr17-63533439-T-A.
Other names: c.1712+3A>T (NM_001363813.1).
Identifiers: ClinVar variation 5032677 (VCV005032677.1).